The following is an entry in ClinVar:

ClinVar aggregate classification (germline): Uncertain significance (1 of 4 stars; one submission).

Conditions:
Cobalamin C disease. Also called: methylmalonic aciduria and homocystinuria type cblC; Methylmalonic aciduria with homocystinuria cblC type; Cobalamin-C methylmalonic acidemia and homocystinuria; Methylmalonic acidemia and homocystinuria cblC type; Methylmalonic aciduria and homocystinuria, Vitamin B12-responsive; Vitamin B12 metabolic defect with combined deficiency of methylmalonyl-CoA mutase and homocysteine:methyltetrahydrofolate methyltransferase. Identifiers: Orphanet 26, Orphanet 79282, MedGen C1848561, MONDO:0010184, OMIM 277400.

Submission:

Labcorp Genetics (formerly Invitae), Labcorp
Classification: Uncertain significance for Cobalamin C disease. Last evaluated: 2019-10-02. Review status: criteria provided, single submitter. Criteria: Invitae Variant Classification Sherloc (09022015). Collection method: clinical testing. Allele origin: germline.
Comment: This variant results in a copy number gain of the genomic region encompassing exons 2-4 of the MMACHC gene. The 5' boundary is likely confined to intron 1. The 3' end of this event is unknown as it extends beyond the assayed region for this gene and therefore may encompass additional genes. As the precise location of this event is unknown, it may be in tandem or it may be located elsewhere in the genome. This variant has not been reported in the literature in individuals with MMACHC-related conditions. Experimental studies and prediction algorithms are not available or were not evaluated, and the functional significance of this variant is currently unknown. In summary, the available evidence is currently insufficient to determine the role of this variant in disease. Therefore, it has been classified as a Variant of Uncertain Significance.

NC_000001.11:g.(?_45507336)_(45509235_?)dup

Gene: MMACHC (metabolism of cobalamin associated C; plus strand). Cytogenetic location: 1p34.1.
Variant type: Duplication.
Identifiers: ClinVar variation 831923 (VCV000831923.2).